The following is an entry in ClinVar:

ClinVar aggregate classification (germline): Conflicting classifications of pathogenicity. Review status: criteria provided, conflicting classifications (1 of 4 stars). 10 submissions from 10 submitters: Uncertain significance (1); Benign (2); Likely benign (4). 3 of the submissions do not count toward it. Last evaluated 2026-03-26.

Conditions:
SACS-related disorder. Also called: SACS-related condition.
Charlevoix-Saguenay spastic ataxia (SACS). Also called: SPASTIC ATAXIA 6, AUTOSOMAL RECESSIVE; AUTOSOMAL RECESSIVE SPASTIC ATAXIA OF CHARLEVOIX-SAGUENAY; Spastic ataxia of Charlevoix-Saguenay. Identifiers: Orphanet 98, MedGen C1849140, MONDO:0010041, OMIM 270550.
Spastic paraplegia. Identifiers: MedGen C0037772, HP:0001258.

Allele frequency attached by ClinVar (database versions not stated): 1000 Genomes Project 30x 0.00016; 1000 Genomes Project 0.00020; ExAC 0.00059; gnomAD 0.00100 and 0.00109; TOPMed 0.00106; ESP Exome Variant Server 0.00154.
gnomAD v4.1: 986 of 1,614,066 alleles (0.061%); highest among the groups gnomAD compares: African/African-American, 0.26%; 2 homozygotes.

Submissions (10):

PreventionGenetics, part of Exact Sciences
Classification: Likely benign for SACS-related condition. Last evaluated: 2026-03-26. Review status: criteria provided, single submitter. Criteria: ACMG Guidelines, 2015. Collection method: clinical testing. Allele origin: germline.
Comment: This variant is classified as likely benign based on ACMG/AMP sequence variant interpretation guidelines (Richards et al. 2015 PMID: 25741868, with internal and published modifications).

Labcorp Genetics (formerly Invitae), Labcorp
Classification: Benign for Spastic paraplegia. Last evaluated: 2026-01-28. Review status: criteria provided, single submitter. Criteria: Invitae Variant Classification Sherloc (09022015). Collection method: clinical testing. Allele origin: germline.

Athena Diagnostics
Classification: Benign. Last evaluated: 2025-08-27. Review status: criteria provided, single submitter. Criteria: Athena Diagnostics Criteria. Collection method: clinical testing. Allele origin: unknown.
Comment: The frequency of this variant in the general population is higher than would generally be expected for pathogenic variants in this gene. Computational tools yielded predictions that this variant is unlikely to have an effect on normal RNA splicing. This nucleotide position exhibits low evolutionary conservation.

Mayo Clinic Laboratories, Mayo Clinic
Classification: Likely benign. Last evaluated: 2025-06-02. Review status: criteria provided, single submitter. Criteria: ACMG Guidelines, 2015. Collection method: clinical testing. Allele origin: germline. Observed: 6 variant alleles.
Comment: BS1, BP4, BP7

CeGaT Center for Human Genetics Tuebingen
Classification: Likely benign. Last evaluated: 2025-02-01. Review status: criteria provided, single submitter. Criteria: CeGaT Center For Human Genetics Tuebingen Variant Classification Criteria Version 2. Collection method: clinical testing. Allele origin: germline. Affected: yes. Observed: 1 variant allele.
Comment: SACS: BP4, BP7

Genome-Nilou Lab
Classification: Likely benign for Charlevoix-Saguenay spastic ataxia. Last evaluated: 2021-09-05. Review status: criteria provided, single submitter. Criteria: ACMG Guidelines, 2015. Collection method: clinical testing. Allele origin: germline. Affected: no.

Illumina Laboratory Services, Illumina
Classification: Uncertain significance for Charlevoix-Saguenay spastic ataxia. Last evaluated: 2018-01-12. Review status: criteria provided, single submitter. Criteria: ICSL Variant Classification Criteria 13 December 2019. Collection method: clinical testing. Allele origin: germline.

Natera, Inc.
Classification: Likely benign for Charlevoix-Saguenay type spastic ataxia. Last evaluated: 2020-04-29. Review status: no assertion criteria provided. Collection method: clinical testing. Allele origin: germline. Not counted in ClinVar's aggregate classification.

Clinical Genetics DNA and cytogenetics Diagnostics Lab, Erasmus MC, Erasmus Medical Center
Classification: Likely benign. Review status: no assertion criteria provided. Collection method: clinical testing. Allele origin: germline. Affected: yes. Study: VKGL Data-share Consensus. Not counted in ClinVar's aggregate classification.

Joint Genome Diagnostic Labs from Nijmegen and Maastricht, Radboudumc and MUMC+
Classification: Likely benign. Review status: no assertion criteria provided. Collection method: clinical testing. Allele origin: germline. Affected: yes. Study: VKGL Data-share Consensus. Not counted in ClinVar's aggregate classification.

NM_014363.6(SACS):c.7527T>C (p.Tyr2509=)

Gene: SACS (sacsin molecular chaperone; minus strand). Cytogenetic location: 13q12.12.
Variant type: single nucleotide variant.
Coding change: c.7527T>C on transcript NM_014363.6 (MANE Select); coding-DNA position 7527, T replaced by C.
Protein change: p.Tyr2509=; no amino-acid change (tyrosine 2509 retained).
Molecular consequence: synonymous variant.
Genome position (GRCh38, 1-based): chr13:23,336,349, A>G on the plus strand (T>C on the coding strand, the complement: SACS is on the minus strand). VCF-style: chr13-23336349-A-G. GRCh37 (hg19) VCF-style: chr13-23910488-A-G.
Other names: p.Tyr2509=; c.7086T>C, p.Tyr2362= (NM_001278055.2).
Identifiers: ClinVar variation 311526 (VCV000311526.38), dbSNP rs140034972, ClinGen allele CA6910892.